The following is an entry in ClinVar:

NM_020778.5(ALPK3):c.61G>C (p.Gly21Arg)

Gene: ALPK3 (alpha kinase 3; plus strand). Cytogenetic location: 15q25.3.
Variant type: single nucleotide variant.
Coding change: c.61G>C on transcript NM_020778.5 (MANE Select); coding-DNA position 61, G replaced by C.
Protein change: p.Gly21Arg; replaces glycine 21 with arginine.
Molecular consequence: missense variant.
Genome position (GRCh38, 1-based): chr15:84,817,513, G>C. VCF-style: chr15-84817513-G-C. GRCh37 (hg19) VCF-style: chr15-85360744-G-C.
Other names: short protein forms G21R.
Identifiers: ClinVar variation 3726597 (VCV003726597.2).

ClinVar aggregate classification (germline): Uncertain significance (1 of 4 stars; one submission).

Submission:

Labcorp Genetics (formerly Invitae), Labcorp
Classification: Uncertain significance. Last evaluated: 2024-12-04. Review status: criteria provided, single submitter. Criteria: Invitae Variant Classification Sherloc (09022015). Collection method: clinical testing. Allele origin: germline.
Comment: This sequence change replaces glycine, which is neutral and non-polar, with arginine, which is basic and polar, at codon 223 of the ALPK3 protein (p.Gly223Arg). This variant is not present in population databases (gnomAD no frequency). This variant has not been reported in the literature in individuals affected with ALPK3-related conditions. An algorithm developed to predict the effect of missense changes on protein structure and function (PolyPhen-2) suggests that this variant is likely to be disruptive. In summary, the available evidence is currently insufficient to determine the role of this variant in disease. Therefore, it has been classified as a Variant of Uncertain Significance.